The following is an entry in ClinVar:

NM_003119.4(SPG7):c.1804G>A (p.Ala602Thr)

Gene: SPG7 (SPG7 matrix AAA peptidase subunit, paraplegin; plus strand). Cytogenetic location: 16q24.3.
Variant type: single nucleotide variant.
Coding change: c.1804G>A on transcript NM_003119.4 (MANE Select); coding-DNA position 1804, G replaced by A.
Protein change: p.Ala602Thr; replaces alanine 602 with threonine.
Molecular consequence: missense variant.
Genome position (GRCh38, 1-based): chr16:89,553,003, G>A. VCF-style: chr16-89553003-G-A. GRCh37 (hg19) VCF-style: chr16-89619411-G-A.
Other names: c.1804G>A, p.Ala602Thr (NM_001363850.1); short protein forms A602T.
Identifiers: ClinVar variation 3721060 (VCV003721060.2).

ClinVar aggregate classification (germline): Uncertain significance (1 of 4 stars; one submission).

Conditions:
Hereditary spastic paraplegia 7 (SPG7). Also called: SPASTIC PARAPLEGIA 7, AUTOSOMAL RECESSIVE, WITH OR WITHOUT CEREBELLAR ATAXIA; SPG7-related neurologic disorder; Spastic paraplegia 7; Hereditary spastic paraplegia Paraplegin type; Autosomal recessive spastic paraplegia type 7. Identifiers: Orphanet 99013, MedGen C1846564, MONDO:0011803, OMIM 607259.

gnomAD v4.1: 13 of 1,613,776 alleles (0.00081%); highest among the groups gnomAD compares: East Asian, 0.013%; no homozygotes.

Submission:

Labcorp Genetics (formerly Invitae), Labcorp
Classification: Uncertain significance for Hereditary spastic paraplegia 7. Last evaluated: 2024-11-18. Review status: criteria provided, single submitter. Criteria: Invitae Variant Classification Sherloc (09022015). Collection method: clinical testing. Allele origin: germline.
Comment: This sequence change replaces alanine, which is neutral and non-polar, with threonine, which is neutral and polar, at codon 602 of the SPG7 protein (p.Ala602Thr). The frequency data for this variant in the population databases is considered unreliable, as metrics indicate poor data quality at this position in the gnomAD database. This variant has not been reported in the literature in individuals affected with SPG7-related conditions. Invitae Evidence Modeling of protein sequence and biophysical properties (such as structural, functional, and spatial information, amino acid conservation, physicochemical variation, residue mobility, and thermodynamic stability) has been performed for this missense variant. However, the output from this modeling did not meet the statistical confidence thresholds required to predict the impact of this variant on SPG7 protein function. In summary, the available evidence is currently insufficient to determine the role of this variant in disease. Therefore, it has been classified as a Variant of Uncertain Significance.